The following is an entry in ClinVar:

ClinVar aggregate classification (germline): Likely benign (1 of 4 stars; one submission).

gnomAD v4.1: 18 of 1,068,068 alleles (0.0017%); highest among the groups gnomAD compares: Middle Eastern, 0.028%; no homozygotes.

Submission:

CeGaT Center for Human Genetics Tuebingen
Classification: Likely benign. Last evaluated: 2026-10-01. Review status: criteria provided, single submitter. Criteria: CeGaT Center For Human Genetics Tuebingen Variant Classification Criteria Version 2. Collection method: clinical testing. Allele origin: germline. Affected: yes. Observed: 1 variant allele.
Comment: KCNC3: BP4, BP7

NM_004977.3(KCNC3):c.2253C>T (p.Ala751=)

Gene: KCNC3 (potassium voltage-gated channel subfamily C member 3; minus strand). Cytogenetic location: 19q13.33.
Variant type: single nucleotide variant.
Coding change: c.2253C>T on transcript NM_004977.3 (MANE Select); coding-DNA position 2253, C replaced by T.
Protein change: p.Ala751=; no amino-acid change (alanine 751 retained).
Molecular consequence: synonymous variant.
Genome position (GRCh38, 1-based): chr19:50,320,267, G>A on the plus strand (C>T on the coding strand, the complement: KCNC3 is on the minus strand). VCF-style: chr19-50320267-G-A. GRCh37 (hg19) VCF-style: chr19-50823524-G-A.
Other names: c.2025C>T, p.Ala675= (NM_001372305.1).
Identifiers: ClinVar variation 5041277 (VCV005041277.1).